The following is an entry in ClinVar:

NM_001085411.3(NADK2):c.644+15C>T

Gene: NADK2 (NAD kinase 2, mitochondrial; minus strand). Cytogenetic location: 5p13.2.
Variant type: single nucleotide variant.
Coding change: c.644+15C>T on transcript NM_001085411.3 (MANE Select); 15 bases into the intron after coding-DNA position 644, C replaced by T.
Molecular consequence: intron variant.
Genome position (GRCh38, 1-based): chr5:36,219,581, G>A on the plus strand (C>T on the coding strand, the complement: NADK2 is on the minus strand). VCF-style: chr5-36219581-G-A. GRCh37 (hg19) VCF-style: chr5-36219683-G-A.
Other names: c.155+15C>T (NM_153013.5, NM_001287341.2, NM_001287340.2).
Identifiers: ClinVar variation 512928 (VCV000512928.5), dbSNP rs373182107, ClinGen allele CA3234663.

ClinVar aggregate classification (germline): Likely benign. Review status: criteria provided, multiple submitters, no conflicts (2 of 4 stars). 2 submissions from 2 submitters: Likely benign (2). Last evaluated 2024-10-08.

Conditions:
Progressive encephalopathy with leukodystrophy due to DECR deficiency. Identifiers: Orphanet 431361, MedGen C1857252, MONDO:0014464, OMIM 616034.

Allele frequency attached by ClinVar (database versions not stated): gnomAD 0.00015 and 0.00017; TOPMed 0.00018; ExAC 0.00021; gnomAD exomes 0.00022; ESP Exome Variant Server 0.00023.
gnomAD v4.1: 310 of 1,603,754 alleles (0.019%); highest among the groups gnomAD compares: South Asian, 0.046%; no homozygotes.

Submissions (2):

Labcorp Genetics (formerly Invitae), Labcorp
Classification: Likely benign for Progressive encephalopathy with leukodystrophy due to DECR deficiency. Last evaluated: 2024-10-08. Review status: criteria provided, single submitter. Criteria: Invitae Variant Classification Sherloc (09022015). Collection method: clinical testing. Allele origin: germline.

GeneDx
Classification: Likely benign. Last evaluated: 2017-11-03. Review status: criteria provided, single submitter. Criteria: GeneDx Variant Classification (06012015). Collection method: clinical testing. Allele origin: germline. Affected: yes.
Comment: This variant is considered likely benign or benign based on one or more of the following criteria: it is a conservative change, it occurs at a poorly conserved position in the protein, it is predicted to be benign by multiple in silico algorithms, and/or has population frequency not consistent with disease.